The following is an entry in ClinVar:

NM_001943.5(DSG2):c.2035G>A (p.Gly679Ser)

Genes: DSG2 (desmoglein 2; plus strand), DSG2-AS1 (DSG2 antisense RNA 1; minus strand). Cytogenetic location: 18q12.1.
Variant type: single nucleotide variant.
Coding change: c.2035G>A on transcript NM_001943.5 (MANE Select); coding-DNA position 2035, G replaced by A.
Protein change: p.Gly679Ser; replaces glycine 679 with serine.
Molecular consequence: missense variant.
Genome position (GRCh38, 1-based): chr18:31,542,553, G>A. VCF-style: chr18-31542553-G-A. GRCh37 (hg19) VCF-style: chr18-29122516-G-A.
Other names: short protein forms G679S.
Identifiers: ClinVar variation 920812 (VCV000920812.9), dbSNP rs756896076, ClinGen allele CA044720.

ClinVar aggregate classification (germline): Uncertain significance. Review status: criteria provided, multiple submitters, no conflicts (2 of 4 stars). 4 submissions from 4 submitters: Uncertain significance (4). Last evaluated 2024-03-21.

Conditions:
Arrhythmogenic right ventricular dysplasia 10. Also called: Arrhythmogenic Right Ventricular Dysplasia/Cardiomyopathy10; ARRHYTHMOGENIC RIGHT VENTRICULAR DYSPLASIA, FAMILIAL, 10; Arrhythmogenic right ventricular dysplasia/cardiomyopathy, type 10. Identifiers: MedGen C1857777, MONDO:0012434, OMIM 610193.
Dilated cardiomyopathy 1BB (CMD1BB). Also called: CARDIOMYOPATHY, DILATED, 1BB, SUSCEPTIBILITY TO. Identifiers: Orphanet 154, MedGen C2752072, MONDO:0013030, OMIM 612877.
Cardiomyopathy (CMYO). Also called: Cardiomyopathies. Identifiers: Orphanet 167848, MedGen C0878544, MONDO:0004994, HP:0001638. Inheritance: Various modes of inheritance.
Arrhythmogenic right ventricular cardiomyopathy (ARVD). Also called: Arrhythmogenic cardiomyopathy; Cardiomyopathy, ARVC; Arrhythmogenic right ventricular dysplasia; Arrhythmogenic Right Ventricular Cardiomyopathy (ARVC). Identifiers: Orphanet 247, MedGen C0349788, MeSH D019571, MONDO:0016587. Disease mechanism: loss of function. Inheritance: Various modes of inheritance.

Allele frequency attached by ClinVar (database versions not stated): gnomAD exomes below 0.00001 and 0.00001; TOPMed below 0.00001; ExAC 0.00002.
gnomAD v4.1: 2 of 1,614,070 alleles (0.00012%); highest among the groups gnomAD compares: Non-Finnish European, 0.00017%; no homozygotes.

Submissions (4):

Labcorp Genetics (formerly Invitae), Labcorp
Classification: Uncertain significance for Arrhythmogenic right ventricular dysplasia 10. Last evaluated: 2024-03-21. Review status: criteria provided, single submitter. Criteria: Invitae Variant Classification Sherloc (09022015). Collection method: clinical testing. Allele origin: germline.
Comment: This sequence change replaces glycine, which is neutral and non-polar, with serine, which is neutral and polar, at codon 679 of the DSG2 protein (p.Gly679Ser). This variant is present in population databases (rs756896076, gnomAD 0.006%). This variant has not been reported in the literature in individuals affected with DSG2-related conditions. ClinVar contains an entry for this variant (Variation ID: 920812). Advanced modeling of protein sequence and biophysical properties (such as structural, functional, and spatial information, amino acid conservation, physicochemical variation, residue mobility, and thermodynamic stability) performed at Invitae indicates that this missense variant is not expected to disrupt DSG2 protein function with a negative predictive value of 95%. In summary, the available evidence is currently insufficient to determine the role of this variant in disease. Therefore, it has been classified as a Variant of Uncertain Significance.

Color Diagnostics, LLC DBA Color Health
Classification: Uncertain significance for Cardiomyopathy. Last evaluated: 2024-03-06. Review status: criteria provided, single submitter. Criteria: ACMG Guidelines, 2015. Collection method: clinical testing. Allele origin: germline.
Comment: This missense variant replaces glycine with serine at codon 679 of the DSG2 protein. Computational prediction suggests that this variant may not impact protein structure and function (internally defined REVEL score threshold <= 0.5, PMID: 27666373). To our knowledge, functional studies have not been reported for this variant. This variant has not been reported in individuals affected with cardiovascular disorders in the literature. This variant has been identified in 2/249304 chromosomes in the general population by the Genome Aggregation Database (gnomAD). The available evidence is insufficient to determine the role of this variant in disease conclusively. Therefore, this variant is classified as a Variant of Uncertain Significance.

All of Us Research Program, National Institutes of Health
Classification: Uncertain significance for Arrhythmogenic right ventricular cardiomyopathy. Last evaluated: 2022-12-05. Review status: criteria provided, single submitter. Criteria: ACMG Guidelines, 2015. Collection method: clinical testing. Allele origin: germline. Inheritance: Autosomal dominant inheritance. Observed: 1 variant allele, 1 heterozygote.
Comment: This missense variant replaces glycine with serine at codon 679 of the DSG2 protein. Computational prediction suggests that this variant may not impact protein structure and function (internally defined REVEL score threshold <= 0.5, PMID: 27666373). To our knowledge, functional studies have not been reported for this variant. This variant has not been reported in individuals affected with cardiovascular disorders in the literature. This variant has been identified in 2/249304 chromosomes in the general population by the Genome Aggregation Database (gnomAD). The available evidence is insufficient to determine the role of this variant in disease conclusively. Therefore, this variant is classified as a Variant of Uncertain Significance.

This study involves interpretation of variants in research participants for the purpose of population health screening. Participant phenotype was not available at the time of variant classification. Additional details can be found in publication PMID: 35346344, PMCID: PMC8962531

Fulgent Genetics
Classification: Uncertain significance for Arrhythmogenic right ventricular dysplasia 10; Dilated cardiomyopathy 1BB. Last evaluated: 2021-07-12. Review status: criteria provided, single submitter. Criteria: ACMG Guidelines, 2015. Collection method: clinical testing. Allele origin: unknown.